The following is an entry in ClinVar:

ClinVar aggregate classification (germline): Uncertain significance. Review status: criteria provided, multiple submitters, no conflicts (2 of 4 stars). 5 submissions from 5 submitters: Uncertain significance (4). 1 of the submissions does not count toward it. Last evaluated 2025-10-27.

Conditions:
Hereditary cancer-predisposing syndrome. Also called: Tumor predisposition; Hereditary Cancer Syndrome; Neoplastic Syndromes, Hereditary; Hereditary neoplastic syndrome. Identifiers: Orphanet 140162, MedGen C0027672, MeSH D009386, MONDO:0015356.
Hereditary breast ovarian cancer syndrome. Also called: Breast and ovarian cancer; Hereditary breast and ovarian cancer; Hereditary breast and ovarian cancer syndrome; Hereditary breast and/or ovarian cancer syndrome; BRCA1- and BRCA2-Associated Hereditary Breast and Ovarian Cancer; Hereditary breast and ovarian cancer syndrome (HBOC). Identifiers: Orphanet 145, MedGen C0677776, MeSH D061325, MONDO:0003582. Disease mechanism: loss of function.
Breast-ovarian cancer, familial, susceptibility to, 1 (BROVCA1). Also called: BRCA1 Hereditary Breast and Ovarian Cancer; OVARIAN CANCER, SUSCEPTIBILITY TO. Identifiers: Orphanet 145, MedGen C2676676, MONDO:0011450, OMIM 604370. Disease mechanism: loss of function.

Allele frequency attached by ClinVar (database versions not stated): gnomAD exomes 0.00001; ExAC 0.00002.
gnomAD v4.1: 8 of 1,614,146 alleles (0.0005%); highest among the groups gnomAD compares: Non-Finnish European, 0.00042%; no homozygotes.

Submissions (5):

Ambry Genetics
Classification: Uncertain significance for Hereditary cancer-predisposing syndrome. Last evaluated: 2025-10-27. Review status: criteria provided, single submitter. Criteria: Ambry Variant Classification Scheme 2023. Collection method: clinical testing. Allele origin: germline.
Comment: The p.P1614L variant (also known as c.4841C>T), located in coding exon 14 of the BRCA1 gene, results from a C to T substitution at nucleotide position 4841. The proline at codon 1614 is replaced by leucine, an amino acid with similar properties. This amino acid position is not well conserved in available vertebrate species. In addition, the in silico prediction for this alteration is inconclusive. Since supporting evidence is limited at this time, the clinical significance of this alteration remains unclear.

Labcorp Genetics (formerly Invitae), Labcorp
Classification: Uncertain significance for Hereditary breast ovarian cancer syndrome. Last evaluated: 2023-09-15. Review status: criteria provided, single submitter. Criteria: Invitae Variant Classification Sherloc (09022015). Collection method: clinical testing. Allele origin: germline.
Comment: This sequence change replaces proline, which is neutral and non-polar, with leucine, which is neutral and non-polar, at codon 1614 of the BRCA1 protein (p.Pro1614Leu). This variant is present in population databases (rs766305255, gnomAD 0.003%). This missense change has been observed in individual(s) with a personal and/or family history of cancer (PMID: 22505045). ClinVar contains an entry for this variant (Variation ID: 216671). Advanced modeling of protein sequence and biophysical properties (such as structural, functional, and spatial information, amino acid conservation, physicochemical variation, residue mobility, and thermodynamic stability) performed at Invitae indicates that this missense variant is not expected to disrupt BRCA1 protein function. In summary, the available evidence is currently insufficient to determine the role of this variant in disease. Therefore, it has been classified as a Variant of Uncertain Significance.

Clinical Genetics Laboratory, Skane University Hospital Lund
Classification: Uncertain significance. Last evaluated: 2023-03-31. Review status: criteria provided, single submitter. Criteria: ACMG Guidelines, 2015. Collection method: clinical testing. Allele origin: germline. Affected: yes.

Quest Diagnostics Nichols Institute San Juan Capistrano
Classification: Uncertain significance. Last evaluated: 2017-02-27. Review status: criteria provided, single submitter. Criteria: Quest Diagnostics criteria. Collection method: clinical testing. Allele origin: germline.

BRCAlab, Lund University
Classification: Uncertain significance for Breast-ovarian cancer, familial, susceptibility to, 1. Last evaluated: 2020-03-02. Review status: no assertion criteria provided. Collection method: clinical testing. Allele origin: germline. Affected: yes. Not counted in ClinVar's aggregate classification.

Literature cited by the submitters: PubMed 22505045 (cited by Labcorp Genetics (formerly Invitae), Labcorp and Quest Diagnostics Nichols Institute San Juan Capistrano).

NM_007294.4(BRCA1):c.4841C>T (p.Pro1614Leu)

Gene: BRCA1 (BRCA1 DNA repair associated; minus strand). Cytogenetic location: 17q21.31.
Variant type: single nucleotide variant.
Coding change: c.4841C>T on transcript NM_007294.4 (MANE Select); coding-DNA position 4841, C replaced by T.
Protein change: p.Pro1614Leu; replaces proline 1614 with leucine.
Molecular consequence: missense variant. On other transcripts: non-coding transcript variant (1).
Genome position (GRCh38, 1-based): chr17:43,071,073, G>A on the plus strand (C>T on the coding strand, the complement: BRCA1 is on the minus strand). VCF-style: chr17-43071073-G-A. GRCh37 (hg19) VCF-style: chr17-41223090-G-A.
Other names: c.4835C>T, p.Pro1612Leu (NM_001407634.1, NM_001407635.1, NM_001407861.1 and 14 more transcripts); c.4826C>T, p.Pro1609Leu (NM_001407647.1); c.4784C>T, p.Pro1595Leu (NM_001407648.1); c.4781C>T, p.Pro1594Leu (NM_001407649.1); c.4841C>T, p.Pro1614Leu (NM_001407652.1, NM_001407593.1, NM_001407594.1 and 8 more transcripts); c.4763C>T, p.Pro1588Leu (NM_001407653.1, NM_001407654.1, NM_001407655.1); c.4760C>T, p.Pro1587Leu (NM_001407656.1, NM_001407657.1, NM_001407658.1); c.4718C>T, p.Pro1573Leu (NM_001407668.1, NM_001407669.1, NM_001407919.1 and 6 more transcripts); and 70 more; short protein forms P1614L, P1635L, P1567L, P510L, P1460L, P1486L, P1487L, P1503L.
Identifiers: ClinVar variation 216671 (VCV000216671.14), dbSNP rs766305255, ClinGen allele CA053344.
Genomic context (GRCh38, chr17:43,071,073, plus strand): 5'-CTGCTCACACTTTCTTCCATTGCATTATACCCAGCAGTATCAGTAGTATGAGCAGCAGCT[G>A]GACTCTGGGCAGATTCTGCAACTTTCAATTGGGGAACTTTCAATGCAGAGGTTGAAGATG-3'
Protein context (NP_009225.1, residues 1604-1624): QLKVAESAQS[Pro1614Leu]AAAHTTDTAG